The following is an entry in ClinVar:

ClinVar aggregate classification (germline): Uncertain significance. Review status: criteria provided, multiple submitters, no conflicts (2 of 4 stars). 2 submissions from 2 submitters: Uncertain significance (2). Last evaluated 2024-05-31.

Conditions:
Hereditary cancer-predisposing syndrome. Also called: Hereditary neoplastic syndrome; Tumor predisposition; Neoplastic Syndromes, Hereditary; Hereditary Cancer Syndrome. Identifiers: Orphanet 140162, MedGen C0027672, MeSH D009386, MONDO:0015356.
Neuroblastoma, susceptibility to, 3. Also called: ALK-Related Neuroblastic Tumor Susceptibility. Identifiers: Orphanet 635, MedGen C2751681, MONDO:0013083, OMIM 613014.

Submissions (2):

Ambry Genetics
Classification: Uncertain significance for Hereditary cancer-predisposing syndrome. Last evaluated: 2024-05-31. Review status: criteria provided, single submitter. Criteria: Ambry Variant Classification Scheme 2023. Collection method: clinical testing. Allele origin: germline.
Comment: The p.V867A variant (also known as c.2600T>C), located in coding exon 15 of the ALK gene, results from a T to C substitution at nucleotide position 2600. The valine at codon 867 is replaced by alanine, an amino acid with similar properties. This amino acid position is conserved. In addition, the in silico prediction for this alteration is inconclusive. Based on the available evidence, the clinical significance of this variant remains unclear.

Labcorp Genetics (formerly Invitae), Labcorp
Classification: Uncertain significance for Neuroblastoma, susceptibility to, 3. Last evaluated: 2022-10-25. Review status: criteria provided, single submitter. Criteria: Invitae Variant Classification Sherloc (09022015). Collection method: clinical testing. Allele origin: germline.
Comment: In summary, the available evidence is currently insufficient to determine the role of this variant in disease. Therefore, it has been classified as a Variant of Uncertain Significance. Algorithms developed to predict the effect of missense changes on protein structure and function (SIFT, PolyPhen-2, Align-GVGD) all suggest that this variant is likely to be disruptive. ClinVar contains an entry for this variant (Variation ID: 960993). This variant has not been reported in the literature in individuals affected with ALK-related conditions. This variant is not present in population databases (gnomAD no frequency). This sequence change replaces valine, which is neutral and non-polar, with alanine, which is neutral and non-polar, at codon 867 of the ALK protein (p.Val867Ala).

NM_004304.5(ALK):c.2600T>C (p.Val867Ala)

Gene: ALK (ALK receptor tyrosine kinase; minus strand). Cytogenetic location: 2p23.2.
Variant type: single nucleotide variant.
Coding change: c.2600T>C on transcript NM_004304.5 (MANE Select); coding-DNA position 2600, T replaced by C.
Protein change: p.Val867Ala; replaces valine 867 with alanine.
Molecular consequence: missense variant.
Genome position (GRCh38, 1-based): chr2:29,232,336, A>G on the plus strand (T>C on the coding strand, the complement: ALK is on the minus strand). VCF-style: chr2-29232336-A-G. GRCh37 (hg19) VCF-style: chr2-29455202-A-G.
Other names: short protein forms V867A.
Identifiers: ClinVar variation 960993 (VCV000960993.11), dbSNP rs1664236109, ClinGen allele CA346471618.